The following is an entry in ClinVar:

ClinVar aggregate classification (germline): Likely benign (1 of 4 stars; one submission).

gnomAD v4.1: 1 of 1,614,048 alleles (0.000062%); highest among the groups gnomAD compares: Non-Finnish European, 0.000085%; no homozygotes.

Submission:

CeGaT Center for Human Genetics Tuebingen
Classification: Likely benign. Last evaluated: 2026-05-01. Review status: criteria provided, single submitter. Criteria: CeGaT Center For Human Genetics Tuebingen Variant Classification Criteria Version 2. Collection method: clinical testing. Allele origin: germline. Affected: yes. Observed: 1 variant allele.
Comment: RHOBTB2: BP4, BP7

NM_015178.3(RHOBTB2):c.1329T>A (p.Arg443=)

Gene: RHOBTB2 (Rho related BTB domain containing 2; plus strand). Cytogenetic location: 8p21.3.
Variant type: single nucleotide variant.
Coding change: c.1329T>A on transcript NM_015178.3 (MANE Select); coding-DNA position 1329, T replaced by A.
Protein change: p.Arg443=; no amino-acid change (arginine 443 retained).
Molecular consequence: synonymous variant.
Genome position (GRCh38, 1-based): chr8:23,007,574, T>A. VCF-style: chr8-23007574-T-A. GRCh37 (hg19) VCF-style: chr8-22865087-T-A.
Other names: c.1395T>A, p.Arg465= (NM_001160036.2); c.1350T>A, p.Arg450= (NM_001160037.2); c.1329T>A, p.Arg443= (NM_001374791.1).
Identifiers: ClinVar variation 4873336 (VCV004873336.2).
Genomic context (GRCh38, chr8:23,007,574, plus strand): 5'-GGGGCCCTTCCGGGCTGTCCTCAAGTACCTGTACACGGGGGAGCTAGATGAGAACGAGCG[T>A]GACCTCATGCACATTGCCCACATTGCTGAGCTGCTCGAGGTCTTTGATCTGCGCATGATG-3'
Protein context (NP_055993.2, residues 433-453): LYTGELDENE[Arg443=]DLMHIAHIAE